The following is an entry in ClinVar:

NM_000038.6(APC):c.6087T>A (p.Ser2029=)

Gene: APC (APC regulator of Wnt signaling pathway; plus strand). Cytogenetic location: 5q22.2.
Variant type: single nucleotide variant.
Coding change: c.6087T>A on transcript NM_000038.6 (MANE Select); coding-DNA position 6087, T replaced by A.
Protein change: p.Ser2029=; no amino-acid change (serine 2029 retained).
Molecular consequence: synonymous variant. On other transcripts: non-coding transcript variant (2).
Genome position (GRCh38, 1-based): chr5:112,841,681, T>A. VCF-style: chr5-112841681-T-A. GRCh37 (hg19) VCF-style: chr5-112177378-T-A.
Other names: c.6087T>A, p.Ser2029= (NM_001127510.3, NM_001354895.2, NM_001407450.1); c.6033T>A, p.Ser2011= (NM_001127511.3); c.6141T>A, p.Ser2047= (NM_001354896.2, NM_001407447.1, NM_001407448.1 and 1 more transcripts); c.6117T>A, p.Ser2039= (NM_001354897.2); c.6012T>A, p.Ser2004= (NM_001354898.2); c.6003T>A, p.Ser2001= (NM_001354899.2); c.5964T>A, p.Ser1988= (NM_001354900.2); c.5910T>A, p.Ser1970= (NM_001354901.2, NM_001407453.1); and 11 more.
Identifiers: ClinVar variation 3254233 (VCV003254233.1), dbSNP rs1554087193.

ClinVar aggregate classification (germline): Benign (1 of 4 stars; one submission).

Conditions:
Familial adenomatous polyposis 1 (FAP1). Also called: FAMILIAL ADENOMATOUS POLYPOSIS 1, ATTENUATED; POLYPOSIS, ADENOMATOUS INTESTINAL. Identifiers: MedGen C2713442, MONDO:0021056, OMIM 175100. Disease mechanism: loss of function.

Submission:

Myriad Genetics, Inc.
Classification: Benign for Familial adenomatous polyposis 1. Last evaluated: 2024-04-03. Review status: criteria provided, single submitter. Criteria: Myriad Autosomal Dominant, Autosomal Recessive and X-Linked Classification Criteria (2023). Collection method: clinical testing. Allele origin: unknown.
Comment: This variant is considered benign. This variant is a silent/synonymous amino acid change and it is not expected to impact splicing.